The following is an entry in ClinVar:

NM_006734.4(HIVEP2):c.2787G>C (p.Gln929His)

Gene: HIVEP2 (HIVEP zinc finger 2; minus strand). Cytogenetic location: 6q24.2.
Variant type: single nucleotide variant.
Coding change: c.2787G>C on transcript NM_006734.4 (MANE Select); coding-DNA position 2787, G replaced by C.
Protein change: p.Gln929His; replaces glutamine 929 with histidine.
Molecular consequence: missense variant.
Genome position (GRCh38, 1-based): chr6:142,771,952, C>G on the plus strand (G>C on the coding strand, the complement: HIVEP2 is on the minus strand). VCF-style: chr6-142771952-C-G. GRCh37 (hg19) VCF-style: chr6-143093089-C-G.
Other names: short protein forms Q929H.
Identifiers: ClinVar variation 3067716 (VCV003067716.21), dbSNP rs984847179, ClinGen allele CA365908089.

ClinVar aggregate classification (germline): Uncertain significance (1 of 4 stars; one submission).

Submission:

CeGaT Center for Human Genetics Tuebingen
Classification: Uncertain significance. Last evaluated: 2024-03-01. Review status: criteria provided, single submitter. Criteria: CeGaT Center For Human Genetics Tuebingen Variant Classification Criteria Version 2. Collection method: clinical testing. Allele origin: germline. Affected: yes. Observed: 1 variant allele.
Comment: HIVEP2: PM2